The following is an entry in ClinVar:

NM_001206641.3(COA6):c.47G>C (p.Ser16Thr)

Genes: COA6-AS1 (COA6 antisense RNA 1; minus strand), COA6 (cytochrome c oxidase assembly factor 6; plus strand). Cytogenetic location: 1q42.2.
Variant type: single nucleotide variant.
Coding change: c.47G>C on transcript NM_001206641.3 (MANE Select); coding-DNA position 47, G replaced by C.
Protein change: p.Ser16Thr; replaces serine 16 with threonine.
Molecular consequence: missense variant. On other transcripts: non-coding transcript variant (1).
Genome position (GRCh38, 1-based): chr1:234,373,513, G>C. VCF-style: chr1-234373513-G-C. GRCh37 (hg19) VCF-style: chr1-234509259-G-C.
Other names: c.-206G>C (NM_001012985.2); short protein forms S16T.
Identifiers: ClinVar variation 380009 (VCV000380009.5), dbSNP rs10910420, ClinGen allele CA1459916.

ClinVar aggregate classification (germline): Benign. Review status: criteria provided, multiple submitters, no conflicts (2 of 4 stars). 3 submissions from 3 submitters: Benign (3). Last evaluated 2021-07-22.

Conditions:
Cardioencephalomyopathy, fatal infantile, due to cytochrome c oxidase deficiency 4 (MC4DN13). Also called: MITOCHONDRIAL COMPLEX IV DEFICIENCY, NUCLEAR TYPE 13. Identifiers: Orphanet 1561, MedGen C4225304, MONDO:0014668, OMIM 616501.

Allele frequency attached by ClinVar (database versions not stated): gnomAD 0.59945 and 0.60769; 1000 Genomes Project 0.60643; 1000 Genomes Project 30x 0.61430; TOPMed 0.62735.
gnomAD v4.1: 826,173 of 1,604,910 alleles (51%); highest among the groups gnomAD compares: African/African-American, 84%; 218,446 homozygotes.

Submissions (3):

Genome-Nilou Lab
Classification: Benign for Cardioencephalomyopathy, fatal infantile, due to cytochrome c oxidase deficiency 4. Last evaluated: 2021-07-22. Review status: criteria provided, single submitter. Criteria: ACMG Guidelines, 2015. Collection method: clinical testing. Allele origin: germline. Affected: no.

GeneDx
Classification: Benign. Last evaluated: 2015-12-02. Review status: criteria provided, single submitter. Criteria: GeneDx Variant Classification (06012015). Collection method: clinical testing. Allele origin: germline. Affected: yes.
Comment: This variant is considered likely benign or benign based on one or more of the following criteria: it is a conservative change, it occurs at a poorly conserved position in the protein, it is predicted to be benign by multiple in silico algorithms, and/or has population frequency not consistent with disease.

Breakthrough Genomics
Classification: Benign. Review status: criteria provided, single submitter. Criteria: ACMG Guidelines, 2015. Collection method: not provided. Allele origin: germline. Inheritance: Autosomal recessive inheritance. Affected: yes.